The following is an entry in ClinVar:

NM_014915.3(ANKRD26):c.4810A>G (p.Arg1604Gly)

Gene: ANKRD26 (ankyrin repeat domain 26; minus strand). Cytogenetic location: 10p12.1.
Variant type: single nucleotide variant.
Coding change: c.4810A>G on transcript NM_014915.3 (MANE Select); coding-DNA position 4810, A replaced by G.
Protein change: p.Arg1604Gly; replaces arginine 1604 with glycine.
Molecular consequence: missense variant.
Genome position (GRCh38, 1-based): chr10:27,013,025, T>C on the plus strand (A>G on the coding strand, the complement: ANKRD26 is on the minus strand). VCF-style: chr10-27013025-T-C. GRCh37 (hg19) VCF-style: chr10-27301954-T-C.
Other names: c.4807A>G, p.Arg1603Gly (NM_001256053.2); short protein forms R1604G, R1603G.
Identifiers: ClinVar variation 3712193 (VCV003712193.3).

ClinVar aggregate classification (germline): Uncertain significance. Review status: criteria provided, multiple submitters, no conflicts (2 of 4 stars). 2 submissions from 2 submitters: Uncertain significance (2). Last evaluated 2025-09-19.

Conditions:
Inborn genetic diseases. Identifiers: MedGen C0950123, MeSH D030342.

gnomAD v4.1: 1 of 1,614,074 alleles (0.000062%); highest among the groups gnomAD compares: Non-Finnish European, 0.000085%; no homozygotes.

Submissions (2):

Ambry Genetics
Classification: Uncertain significance for Inborn genetic diseases. Last evaluated: 2025-09-19. Review status: criteria provided, single submitter. Criteria: Ambry Variant Classification Scheme 2023. Collection method: clinical testing. Allele origin: germline.
Comment: The p.R1604G variant (also known as c.4810A>G), located in coding exon 32 of the ANKRD26 gene, results from an A to G substitution at nucleotide position 4810. The arginine at codon 1604 is replaced by glycine, an amino acid with dissimilar properties. This amino acid position is conserved. In addition, this alteration is predicted to be tolerated by in silico analysis. Based on the available evidence, the clinical significance of this variant remains unclear.

Labcorp Genetics (formerly Invitae), Labcorp
Classification: Uncertain significance. Last evaluated: 2024-09-21. Review status: criteria provided, single submitter. Criteria: Invitae Variant Classification Sherloc (09022015). Collection method: clinical testing. Allele origin: germline.
Comment: This sequence change replaces arginine, which is basic and polar, with glycine, which is neutral and non-polar, at codon 1604 of the ANKRD26 protein (p.Arg1604Gly). This variant is not present in population databases (gnomAD no frequency). This variant has not been reported in the literature in individuals affected with ANKRD26-related conditions. An algorithm developed to predict the effect of missense changes on protein structure and function outputs the following: PolyPhen-2: "Benign". The glycine amino acid residue is found in multiple mammalian species, which suggests that this missense change does not adversely affect protein function. In summary, the available evidence is currently insufficient to determine the role of this variant in disease. Therefore, it has been classified as a Variant of Uncertain Significance.